The following is an entry in ClinVar:

NM_000059.4(BRCA2):c.7601C>T (p.Ala2534Val)

Gene: BRCA2 (BRCA2 DNA repair associated; plus strand). Cytogenetic location: 13q13.1.
Variant type: single nucleotide variant.
Coding change: c.7601C>T on transcript NM_000059.4 (MANE Select); coding-DNA position 7601, C replaced by T.
Protein change: p.Ala2534Val; replaces alanine 2534 with valine.
Molecular consequence: missense variant.
Genome position (GRCh38, 1-based): chr13:32,356,593, C>T. VCF-style: chr13-32356593-C-T. GRCh37 (hg19) VCF-style: chr13-32930730-C-T.
Other names: p.A2534V:GCG>GTG; 7829C>T; short protein forms A2534V.
Identifiers: ClinVar variation 38109 (VCV000038109.79), dbSNP rs74047012, ClinGen allele CA025174.
Genomic context (GRCh38, chr13:32,356,593, plus strand): 5'-AAACATCCACTCTGCCTCGAATCTCTCTGAAAGCAGCAGTAGGAGGCCAAGTTCCCTCTG[C>T]GTGTTCTCATAAACAGGTATGTGTTTGTCTACAATACTGATGGCTTTTATGACAGAGTGT-3'
Protein context (NP_000050.3, residues 2524-2544): KAAVGGQVPS[Ala2534Val]CSHKQLYTYG

ClinVar aggregate classification (germline): Conflicting classifications of pathogenicity. Review status: criteria provided, conflicting classifications (1 of 4 stars). 17 submissions from 17 submitters: Uncertain significance (1); Benign (1); Likely benign (7). 8 of the submissions do not count toward it. Last evaluated 2026-02-02.

Conditions:
BRCA2-related disorder. Also called: BRCA2-related condition; BRCA2-related disorders. Identifiers: MedGen CN239275.
Hereditary cancer-predisposing syndrome. Also called: Neoplastic Syndromes, Hereditary; Tumor predisposition; Hereditary Cancer Syndrome; Hereditary neoplastic syndrome. Identifiers: Orphanet 140162, MedGen C0027672, MeSH D009386, MONDO:0015356.
Hereditary breast ovarian cancer syndrome. Also called: Hereditary breast and ovarian cancer; Breast and ovarian cancer; Hereditary breast and/or ovarian cancer syndrome; Hereditary breast and ovarian cancer syndrome (HBOC); Hereditary breast and ovarian cancer syndrome; BRCA1- and BRCA2-Associated Hereditary Breast and Ovarian Cancer. Identifiers: Orphanet 145, MedGen C0677776, MeSH D061325, MONDO:0003582. Disease mechanism: loss of function.
Breast-ovarian cancer, familial, susceptibility to, 2 (BROVCA2). Also called: BRCA2 Hereditary Breast and Ovarian Cancer. Identifiers: Orphanet 145, MedGen C2675520, MONDO:0012933, OMIM 612555. Disease mechanism: loss of function.

Allele frequency attached by ClinVar (database versions not stated): gnomAD exomes 0.00005 and 0.00010; ESP Exome Variant Server 0.00008; gnomAD 0.00009; ExAC 0.00010; TOPMed 0.00011; 1000 Genomes Project 30x 0.00047; 1000 Genomes Project 0.00060.
gnomAD v4.1: 89 of 1,614,144 alleles (0.0055%); highest among the groups gnomAD compares: African/African-American, 0.033%; no homozygotes.

Submissions 1 to 16 of 17:

Labcorp Genetics (formerly Invitae), Labcorp
Classification: Likely benign for Hereditary breast ovarian cancer syndrome. Last evaluated: 2026-02-02. Review status: criteria provided, single submitter. Criteria: Invitae Variant Classification Sherloc (09022015). Collection method: clinical testing. Allele origin: germline.

Women's Health and Genetics/Laboratory Corporation of America, LabCorp
Classification: Likely benign. Last evaluated: 2025-09-15. Review status: criteria provided, single submitter. Criteria: LabCorp Variant Classification Summary - May 2015. Collection method: clinical testing. Allele origin: germline.
Comment: Variant summary: BRCA2 c.7601C>T (p.Ala2534Val) results in a non-conservative amino acid change located in the helical domain (IPR015252) of the encoded protein sequence. Algorithms developed to predict the effect of missense changes on protein structure and function are either unavailable or do not agree on the potential impact of this missense change. The variant allele was found at a frequency of 0.0001 in 250798 control chromosomes. This frequency is not significantly higher than estimated for disease-causing variants in BRCA2, allowing no conclusion about variant significance. c.7601C>T has been reported in the literature in individuals affected with Hereditary Breast and/or Ovarian Cancer without strong evidence for causality (examples: Jimenez_2011, Zuntini_2018, Torrorey-Sawe_2020, Su_2021 and Dorling_2021), as well as unaffected controls (examples: Dong_2021 and Dorling_2021). These reports do not provide unequivocal conclusions about association of the variant with Hereditary Breast and Ovarian Cancer. Co-occurrences with other pathogenic variants have been reported (i.e. BIC and UMD each report a sample with the common pathogenic variant BRCA1 c.5266dupC (p.Gln1756Profs)), providing supporting evidence for a benign role. One large case-control study did not find this variant as a significant risk allele (Haiman 2013). Two recent reports from the CAGI5 (fifth Critical Assessment of Genome Interpretation) challenge have reported this variant to be not pathogenic following assessment of its impact on splicing and protein function through various prediction methods, and agreeing to the classification of likely benign assigned by the ENIGMA Consortium (Cline_2019, Padilla_2019). To our knowledge, no experimental evidence demonstrating an impact on protein function has been reported. The following publications have been ascertained in the context of this evaluation (PMID: 31294896, 30606148, 32467295, 33471991, 23555315, 21147080, 19043619, 11240689, 26689913, 31112341, 32918181, 23415752, 34917121, 10815905, 32231682, 10644434, 30254663). ClinVar contains an entry for this variant (Variation ID: 38109). Based on the evidence outlined above, the variant was classified as likely benign.

Quest Diagnostics Nichols Institute San Juan Capistrano
Classification: Likely benign. Last evaluated: 2025-05-18. Review status: criteria provided, single submitter. Criteria: Quest Diagnostics criteria. Collection method: clinical testing. Allele origin: unknown.

Center for Genomic Medicine, Rigshospitalet, Copenhagen University Hospital
Classification: Likely benign. Last evaluated: 2025-03-04. Review status: criteria provided, single submitter. Criteria: ACMG Guidelines, 2015. Collection method: clinical testing. Allele origin: germline.

Blueprint Genetics
Classification: Likely benign. Last evaluated: 2024-07-23. Review status: criteria provided, single submitter. Criteria: ACMG Guidelines, 2015. Collection method: clinical testing. Allele origin: germline.

GeneDx
Classification: Likely benign. Last evaluated: 2020-12-18. Review status: criteria provided, single submitter. Criteria: GeneDx Variant Classification Process June 2021. Collection method: clinical testing. Allele origin: germline. Affected: yes.
Comment: This variant is associated with the following publications: (PMID: 25664426, 23415752, 19043619, 21147080, 11240689, 30254663, 30606148, 10815905)

CeGaT Center for Human Genetics Tuebingen
Classification: Uncertain significance. Last evaluated: 2019-06-01. Review status: criteria provided, single submitter. Criteria: CeGaT Center For Human Genetics Tuebingen Variant Classification Criteria Version 2. Collection method: clinical testing. Allele origin: germline. Affected: yes. Observed: 1 variant allele.

Ambry Genetics
Classification: Likely benign for Hereditary cancer-predisposing syndrome. Last evaluated: 2018-10-02. Review status: criteria provided, single submitter. Criteria: Ambry Variant Classification Scheme 2023. Collection method: clinical testing. Allele origin: germline.

Color Diagnostics, LLC DBA Color Health
Classification: Benign for Hereditary cancer-predisposing syndrome. Last evaluated: 2016-02-10. Review status: criteria provided, single submitter. Criteria: ACMG Guidelines, 2015. Collection method: clinical testing. Allele origin: germline.

Genetic Services Laboratory, University of Chicago
Classification: Likely benign. Last evaluated: 2022-08-31. Review status: no assertion criteria provided. Collection method: clinical testing. Allele origin: germline. Affected: no. Not counted in ClinVar's aggregate classification.

BRCAlab, Lund University
Classification: Likely benign for Breast-ovarian cancer, familial, susceptibility to, 2. Last evaluated: 2020-03-02. Review status: no assertion criteria provided. Collection method: clinical testing. Allele origin: germline. Affected: yes. Not counted in ClinVar's aggregate classification.

PreventionGenetics, part of Exact Sciences
Classification: Likely benign for BRCA2-related condition. Last evaluated: 2019-10-30. Review status: no assertion criteria provided. Collection method: clinical testing. Allele origin: germline. Not counted in ClinVar's aggregate classification.
Comment: This variant is classified as likely benign based on ACMG/AMP sequence variant interpretation guidelines (Richards et al. 2015 PMID: 25741868, with internal and published modifications).

True Health Diagnostics
Classification: Likely benign for Hereditary cancer-predisposing syndrome. Last evaluated: 2018-09-27. Review status: no assertion criteria provided. Collection method: clinical testing. Allele origin: germline. Not counted in ClinVar's aggregate classification.

Counsyl
Classification: Likely benign for Breast-ovarian cancer, familial 2. Last evaluated: 2014-05-22. Review status: no assertion criteria provided. Collection method: literature only. Allele origin: unknown. Inheritance: Autosomal dominant inheritance. Not counted in ClinVar's aggregate classification.

Sharing Clinical Reports Project (SCRP)
Classification: Likely benign for Breast-ovarian cancer, familial 2. Last evaluated: 2011-02-04. Review status: no assertion criteria provided. Collection method: clinical testing. Allele origin: germline. Not counted in ClinVar's aggregate classification.

Breast Cancer Information Core (BIC) (BRCA2)
Classification: Uncertain significance for Breast-ovarian cancer, familial 2. Last evaluated: 2002-05-29. Review status: no assertion criteria provided. Collection method: clinical testing. Allele origin: germline. Affected: yes. Observed: 5 variant alleles. Not counted in ClinVar's aggregate classification.